The following is an entry in ClinVar:

ClinVar aggregate classification (germline): Uncertain significance. Review status: reviewed by expert panel (3 of 4 stars). 2 submissions from 2 submitters: Uncertain significance (1). 1 of the submissions does not count toward it. Last evaluated 2024-10-14.

Conditions:
Mitochondrial disease. Also called: Mitochondrial disorder; Mitochondrial disorders. Identifiers: Orphanet 68380, MedGen C0751651, MeSH D028361, MONDO:0044970.
Leigh syndrome (NULS). Also called: Leigh's syndrome; Leigh Disease; Subacute necrotizing encephalopathy; Necrotizing encephalopathy infantile subacute of Leigh; LEIGH SYNDROME, NUCLEAR; Leigh's necrotizing encephalopathy. Identifiers: Orphanet 506, MedGen C2931891, MONDO:0009723, OMIM 256000.

Submissions (2):

ClinGen Mitochondrial Disease Nuclear and Mitochondrial  Variant Curation Expert Panel, ClinGen
Classification: Uncertain significance for Mitochondrial disease. Last evaluated: 2024-10-14. Review status: reviewed by expert panel. Criteria: clingen mito disease acmg specifications v1-1. Collection method: curation. Allele origin: germline. Inheritance: Mitochondrial inheritance.
Comment: The m.4611del (or m.4605del, p.M48Ter) variant in MT-ND2 has been reported in one individual with primary mitochondrial disease to date however clinical details are not provided (PMID: 32652755). There is also a ClinVar submission from the same lab who published the cohort study that included the only case report however it is not clear if this is a second unrelated case or the same case as reported in the medical literature. This variant has also been reported in 10 unrelated Chinese individuals from a large cohort with maternally inherited essential hypertension (PMID: 32414374). However, after examining the sequencing data presented for this region, this Expert Panel agreed that the deletion call was not convincing and care needs to be taken when evaluating variants in this A polytract. Furthermore, hypertension is not a highly concerning feature for primary mitochondrial disease and therefore these cases were not included in this curation. There are no additional individuals or families reported with de novo occurrences of this variant or with this variant segregating with clinical manifestations to our knowledge. If this variant was not the result of a sequencing error, it would create stop codon at amino acid 48 (p.M48Ter), removing 86.5% of the protein (PVS1_strong). There is one heteroplasmic occurrence of this variant in gnomAD v3.1.2 and it is otherwise absent from population databases (GenBank dataset, Helix dataset; PM2_supporting). There are no computational predictors for this variant type in mitochondrial DNA. There are no cybrids, single fiber studies, or other functional assays reported on this variant. In summary, this variant meets criteria to be classified as uncertain significance for primary mitochondrial disease inherited in a mitochondrial manner. This classification was approved by the NICHD/NINDS U24 ClinGen Mitochondrial Disease Variant Curation Expert Panel on October 14, 2024. Mitochondrial DNA-specific ACMG/AMP criteria applied (PMID: 32906214): PVS1_strong, PM2_supporting.

Wong Mito Lab, Molecular and Human Genetics, Baylor College of Medicine
Classification: Likely pathogenic for Leigh syndrome. Last evaluated: 2019-10-17. Review status: criteria provided, single submitter. Criteria: Modified ACMG Guidelines (Unpublished). Collection method: clinical testing. Allele origin: germline. Not counted in ClinVar's aggregate classification.
Comment: The NC_012920.1:m.4611delA (YP_003024027.1:p.Met48Ter) variant in MTND2 gene is interpretated to be a Likely Pathogenic variant based on the modified ACMG guidelines (unpublished). This variant meets the following evidence codes: PS6, PP4, PP7

NC_012920.1(MT-ND2):m.4611del

Gene: MT-ND2 (mitochondrially encoded NADH dehydrogenase 2; plus strand).
Variant type: Deletion.
Genome position: chrM-4604-CA-C.
Identifiers: ClinVar variation 692466 (VCV000692466.2), dbSNP rs1603219523, ClinGen allele CA915952200.